The following is an entry in ClinVar:

NM_006017.3(PROM1):c.2296G>A (p.Ala766Thr)

Gene: PROM1 (prominin 1; minus strand). Cytogenetic location: 4p15.32.
Variant type: single nucleotide variant.
Coding change: c.2296G>A on transcript NM_006017.3 (MANE Select); coding-DNA position 2296, G replaced by A.
Protein change: p.Ala766Thr; replaces alanine 766 with threonine.
Molecular consequence: missense variant.
Genome position (GRCh38, 1-based): chr4:15,984,340, C>T on the plus strand (G>A on the coding strand, the complement: PROM1 is on the minus strand). VCF-style: chr4-15984340-C-T. GRCh37 (hg19) VCF-style: chr4-15985963-C-T.
Other names: c.2269G>A, p.Ala757Thr (NM_001145847.2, NM_001145848.2, NM_001145851.2 and 4 more transcripts); c.2296G>A, p.Ala766Thr (NM_001145849.2, NM_001145850.2); c.2296G>A (NM_006017.2); short protein forms A766T, A757T.
Identifiers: ClinVar variation 1477094 (VCV001477094.10), dbSNP rs1468615991, ClinGen allele CA356427140.

ClinVar aggregate classification (germline): Uncertain significance. Review status: criteria provided, single submitter (1 of 4 stars). 2 submissions from 2 submitters: Uncertain significance (1). 1 of the submissions does not count toward it. Last evaluated 2025-01-05.

Conditions:
PROM1-related disorder. Also called: PROM1-related disorders; PROM1-related condition.

gnomAD v4.1: 1 of 1,594,444 alleles (0.000063%); highest among the groups gnomAD compares: Middle Eastern, 0.017%; no homozygotes.

Submissions (2):

Labcorp Genetics (formerly Invitae), Labcorp
Classification: Uncertain significance. Last evaluated: 2025-01-05. Review status: criteria provided, single submitter. Criteria: Invitae Variant Classification Sherloc (09022015). Collection method: clinical testing. Allele origin: germline.
Comment: This sequence change replaces alanine, which is neutral and non-polar, with threonine, which is neutral and polar, at codon 766 of the PROM1 protein (p.Ala766Thr). This variant is not present in population databases (gnomAD no frequency). This variant has not been reported in the literature in individuals affected with PROM1-related conditions. ClinVar contains an entry for this variant (Variation ID: 1477094). Invitae Evidence Modeling of protein sequence and biophysical properties (such as structural, functional, and spatial information, amino acid conservation, physicochemical variation, residue mobility, and thermodynamic stability) indicates that this missense variant is not expected to disrupt PROM1 protein function with a negative predictive value of 80%. In summary, the available evidence is currently insufficient to determine the role of this variant in disease. Therefore, it has been classified as a Variant of Uncertain Significance.

PreventionGenetics, part of Exact Sciences
Classification: Uncertain significance for PROM1-related condition. Last evaluated: 2024-05-16. Review status: no assertion criteria provided. Collection method: clinical testing. Allele origin: germline. Not counted in ClinVar's aggregate classification.
Comment: The PROM1 c.2296G>A variant is predicted to result in the amino acid substitution p.Ala766Thr. To our knowledge, this variant has not been reported in the literature or in a large population database, indicating this variant is rare. At this time, the clinical significance of this variant is uncertain due to the absence of conclusive functional and genetic evidence.